The following is an entry in ClinVar:

ClinVar aggregate classification (germline): Likely benign. Review status: criteria provided, multiple submitters, no conflicts (2 of 4 stars). 3 submissions from 3 submitters: Likely benign (2). 1 of the submissions does not count toward it. Last evaluated 2026-01-26.

Conditions:
VPS13D-related disorder. Also called: VPS13D-related condition.

Allele frequency attached by ClinVar (database versions not stated): gnomAD exomes 0.00017 and 0.00026; TOPMed 0.00019; ESP Exome Variant Server 0.00023; ExAC 0.00030; gnomAD 0.00032 and 0.00034.
gnomAD v4.1: 298 of 1,613,500 alleles (0.018%); highest among the groups gnomAD compares: Non-Finnish European, 0.021%; no homozygotes.

Submissions (3):

Labcorp Genetics (formerly Invitae), Labcorp
Classification: Likely benign. Last evaluated: 2026-01-26. Review status: criteria provided, single submitter. Criteria: Invitae Variant Classification Sherloc (09022015). Collection method: clinical testing. Allele origin: germline.

CeGaT Center for Human Genetics Tuebingen
Classification: Likely benign. Last evaluated: 2025-08-01. Review status: criteria provided, single submitter. Criteria: CeGaT Center For Human Genetics Tuebingen Variant Classification Criteria Version 2. Collection method: clinical testing. Allele origin: germline. Affected: yes. Observed: 4 variant alleles.
Comment: VPS13D: BP4, BP7

PreventionGenetics, part of Exact Sciences
Classification: Likely benign for VPS13D-related condition. Last evaluated: 2019-09-05. Review status: no assertion criteria provided. Collection method: clinical testing. Allele origin: germline. Not counted in ClinVar's aggregate classification.
Comment: This variant is classified as likely benign based on ACMG/AMP sequence variant interpretation guidelines (Richards et al. 2015 PMID: 25741868, with internal and published modifications).

NM_015378.4(VPS13D):c.6162C>T (p.Val2054=)

Gene: VPS13D (vacuolar protein sorting 13 homolog D; plus strand). Cytogenetic location: 1p36.22.
Variant type: single nucleotide variant.
Coding change: c.6162C>T on transcript NM_015378.4 (MANE Select); coding-DNA position 6162, C replaced by T.
Protein change: p.Val2054=; no amino-acid change (valine 2054 retained).
Molecular consequence: synonymous variant.
Genome position (GRCh38, 1-based): chr1:12,299,330, C>T. VCF-style: chr1-12299330-C-T. GRCh37 (hg19) VCF-style: chr1-12359387-C-T.
Other names: c.6162C>T, p.Val2054= (NM_018156.4).
Identifiers: ClinVar variation 738210 (VCV000738210.34), dbSNP rs139333032, ClinGen allele CA602521.